The following is an entry in ClinVar:

ClinVar aggregate classification (germline): Uncertain significance. Review status: criteria provided, multiple submitters, no conflicts (2 of 4 stars). 2 submissions from 2 submitters: Uncertain significance (2). Last evaluated 2022-06-17.

Conditions:
Charcot-Marie-Tooth disease type 4. Also called: Charcot-Marie-Tooth disease, type IV; Charcot-Marie-Tooth, Type 4. Identifiers: Orphanet 64749, MedGen C4082197, MONDO:0018995.

Allele frequency attached by ClinVar (database versions not stated): gnomAD exomes below 0.00001 and 0.00001; gnomAD 0.00001; TOPMed 0.00002; ESP Exome Variant Server 0.00008.
gnomAD v4.1: 21 of 1,613,930 alleles (0.0013%); highest among the groups gnomAD compares: Non-Finnish European, 0.0017%; no homozygotes.

Submissions (2):

Labcorp Genetics (formerly Invitae), Labcorp
Classification: Uncertain significance for Charcot-Marie-Tooth disease type 4. Last evaluated: 2022-06-17. Review status: criteria provided, single submitter. Criteria: Invitae Variant Classification Sherloc (09022015). Collection method: clinical testing. Allele origin: germline.
Comment: This sequence change replaces lysine, which is basic and polar, with arginine, which is basic and polar, at codon 780 of the FIG4 protein (p.Lys780Arg). This variant is present in population databases (rs373590484, gnomAD 0.0009%). This variant has not been reported in the literature in individuals affected with FIG4-related conditions. ClinVar contains an entry for this variant (Variation ID: 476857). Algorithms developed to predict the effect of missense changes on protein structure and function (SIFT, PolyPhen-2, Align-GVGD) all suggest that this variant is likely to be tolerated. In summary, the available evidence is currently insufficient to determine the role of this variant in disease. Therefore, it has been classified as a Variant of Uncertain Significance.

Athena Diagnostics
Classification: Uncertain significance. Last evaluated: 2019-12-05. Review status: criteria provided, single submitter. Criteria: Athena Diagnostics Criteria. Collection method: clinical testing. Allele origin: unknown.

NM_014845.6(FIG4):c.2339A>G (p.Lys780Arg)

Gene: FIG4 (FIG4 phosphoinositide 5-phosphatase; plus strand). Cytogenetic location: 6q21.
Variant type: single nucleotide variant.
Coding change: c.2339A>G on transcript NM_014845.6 (MANE Select); coding-DNA position 2339, A replaced by G.
Protein change: p.Lys780Arg; replaces lysine 780 with arginine.
Molecular consequence: missense variant.
Genome position (GRCh38, 1-based): chr6:109,791,534, A>G. VCF-style: chr6-109791534-A-G. GRCh37 (hg19) VCF-style: chr6-110112737-A-G.
Other names: short protein forms K780R.
Identifiers: ClinVar variation 476857 (VCV000476857.9), dbSNP rs373590484, ClinGen allele CA145139849.